The following is an entry in ClinVar:

NM_014633.5(CTR9):c.3385G>A (p.Glu1129Lys)

Gene: CTR9 (CTR9 component of Paf1/RNA polymerase II complex; plus strand). Cytogenetic location: 11p15.4.
Variant type: single nucleotide variant.
Coding change: c.3385G>A on transcript NM_014633.5 (MANE Select); coding-DNA position 3385, G replaced by A.
Protein change: p.Glu1129Lys; replaces glutamic acid 1129 with lysine.
Molecular consequence: missense variant.
Genome position (GRCh38, 1-based): chr11:10,778,968, G>A. VCF-style: chr11-10778968-G-A. GRCh37 (hg19) VCF-style: chr11-10800515-G-A.
Other names: c.3313G>A, p.Glu1105Lys (NM_001346279.2); short protein forms E1129K, E1105K.
Identifiers: ClinVar variation 2886705 (VCV002886705.3), dbSNP rs779395806, ClinGen allele CA5885575.

ClinVar aggregate classification (germline): Uncertain significance (1 of 4 stars; one submission).

Allele frequency attached by ClinVar (database versions not stated): ExAC 0.00002.
gnomAD v4.1: 32 of 1,614,164 alleles (0.002%); highest among the groups gnomAD compares: South Asian, 0.012%; no homozygotes.

Submission:

Labcorp Genetics (formerly Invitae), Labcorp
Classification: Uncertain significance. Last evaluated: 2025-10-29. Review status: criteria provided, single submitter. Criteria: Invitae Variant Classification Sherloc (09022015). Collection method: clinical testing. Allele origin: germline.
Comment: This sequence change replaces glutamic acid, which is acidic and polar, with lysine, which is basic and polar, at codon 1129 of the CTR9 protein (p.Glu1129Lys). This variant is present in population databases (rs779395806, gnomAD 0.02%). This variant has not been reported in the literature in individuals affected with CTR9-related conditions. ClinVar contains an entry for this variant (Variation ID: 2886705). An algorithm developed to predict the effect of missense changes on protein structure and function (PolyPhen-2) suggests that this variant is likely to be tolerated. In summary, the available evidence is currently insufficient to determine the role of this variant in disease. Therefore, it has been classified as a Variant of Uncertain Significance.